The following is an entry in ClinVar:

ClinVar aggregate classification (germline): Benign/Likely benign. Review status: criteria provided, multiple submitters, no conflicts (2 of 4 stars). 4 submissions from 4 submitters: Benign (1); Likely benign (3). Last evaluated 2025-10-21.

Conditions:
Familial cancer of breast. Also called: BREAST CANCER, FAMILIAL; Hereditary breast cancer; hereditary breast carcinoma. Identifiers: Orphanet 227535, MedGen C0346153, MONDO:0016419, OMIM 114480. Disease mechanism: loss of function.
Hereditary cancer-predisposing syndrome. Also called: Hereditary neoplastic syndrome; Neoplastic Syndromes, Hereditary; Tumor predisposition; Hereditary Cancer Syndrome. Identifiers: Orphanet 140162, MedGen C0027672, MeSH D009386, MONDO:0015356.
Ataxia-telangiectasia syndrome (AT). Also called: LOUIS-BAR SYNDROME; Cerebello-oculocutaneous telangiectasia; Immunodeficiency with ataxia telangiectasia; AT, COMPLEMENTATION GROUP C; Ataxia-telangiectasia, complementation group D; ATAXIA-TELANGIECTASIA, COMPLEMENTATION GROUP A. Identifiers: Orphanet 100, MedGen C0004135, MONDO:0008840, OMIM 208900.

Submissions (4):

Mayo Clinic Laboratories, Mayo Clinic
Classification: Likely benign. Last evaluated: 2025-10-21. Review status: criteria provided, single submitter. Criteria: ACMG Guidelines, 2015. Collection method: clinical testing. Allele origin: germline. Observed: 2 variant alleles.
Comment: BP4, BP7

Labcorp Genetics (formerly Invitae), Labcorp
Classification: Likely benign for Ataxia-telangiectasia syndrome. Last evaluated: 2024-10-28. Review status: criteria provided, single submitter. Criteria: Invitae Variant Classification Sherloc (09022015). Collection method: clinical testing. Allele origin: germline.

Myriad Genetics, Inc.
Classification: Benign for Familial cancer of breast. Last evaluated: 2024-04-22. Review status: criteria provided, single submitter. Criteria: Myriad Autosomal Dominant, Autosomal Recessive and X-Linked Classification Criteria (2023). Collection method: clinical testing. Allele origin: unknown.
Comment: This variant is considered benign. This variant is a silent/synonymous amino acid change and it is not expected to impact splicing.

Ambry Genetics
Classification: Likely benign for Hereditary cancer-predisposing syndrome. Last evaluated: 2016-10-24. Review status: criteria provided, single submitter. Criteria: Ambry Variant Classification Scheme 2023. Collection method: clinical testing. Allele origin: germline.

NM_000051.4(ATM):c.693T>C (p.His231=)

Gene: ATM (ATM serine/threonine kinase; plus strand). Cytogenetic location: 11q22.3.
Variant type: single nucleotide variant.
Coding change: c.693T>C on transcript NM_000051.4 (MANE Select); coding-DNA position 693, T replaced by C.
Protein change: p.His231=; no amino-acid change (histidine 231 retained).
Molecular consequence: synonymous variant.
Genome position (GRCh38, 1-based): chr11:108,244,818, T>C. VCF-style: chr11-108244818-T-C. GRCh37 (hg19) VCF-style: chr11-108115545-T-C.
Other names: p.His231=; c.693T>C, p.His231= (NM_001351834.2).
Identifiers: ClinVar variation 482650 (VCV000482650.11), dbSNP rs1555066993, ClinGen allele CA476744626.